The following is an entry in ClinVar:

ClinVar aggregate classification (germline): Uncertain significance (1 of 4 stars; one submission).

Allele frequency attached by ClinVar (database versions not stated): gnomAD exomes below 0.00001; gnomAD 0.00001; TOPMed 0.00002.
gnomAD v4.1: 1 of 1,614,032 alleles (0.000062%); highest among the groups gnomAD compares: East Asian, 0.0022%; no homozygotes.

Submission:

GeneDx
Classification: Uncertain significance. Last evaluated: 2017-06-15. Review status: criteria provided, single submitter. Criteria: GeneDx Variant Classification (06012015). Collection method: clinical testing. Allele origin: germline. Affected: yes.
Comment: The S4419G variant has not been published as a pathogenic variant, nor has it been reported as a benign variant to our knowledge. The S4419G variant is not observed in large population cohorts (Lek et al., 2016; 1000 Genomes Consortium et al., 2015; Exome Variant Server). This variant is a non-conservative amino acid substitution, which is likely to impact secondary protein structure as these residues differ in polarity, charge, size and/or other properties. However, this substitution occurs at a position that is not conserved, and in silico analysis is inconsistent in its predictions as to whether or not the variant is damaging to the protein structure/function.

NM_182961.4(SYNE1):c.13468A>G (p.Ser4490Gly)

Gene: SYNE1 (spectrin repeat containing nuclear envelope protein 1; minus strand). Cytogenetic location: 6q25.2.
Variant type: single nucleotide variant.
Coding change: c.13468A>G on transcript NM_182961.4 (MANE Select); coding-DNA position 13468, A replaced by G.
Protein change: p.Ser4490Gly; replaces serine 4490 with glycine.
Molecular consequence: missense variant.
Genome position (GRCh38, 1-based): chr6:152,331,217, T>C on the plus strand (A>G on the coding strand, the complement: SYNE1 is on the minus strand). VCF-style: chr6-152331217-T-C. GRCh37 (hg19) VCF-style: chr6-152652352-T-C.
Other names: c.13255A>G, p.Ser4419Gly (NM_033071.5); short protein forms S4419G, S4490G.
Identifiers: ClinVar variation 432731 (VCV000432731.2), dbSNP rs1194823767, ClinGen allele CA366101620.
Genomic context (GRCh38, chr6:152,331,217, plus strand): 5'-CTTCATTTTGGTAAGTCTTGAGGCTGGCTTGTGCACTCTTACATGTTTTGACTTGTTTGC[T>C]CACATCATCTGGTAACAGACAGATGTGTTCACGGAACATTATCTTTCGCTCATGTTGCTG-3'
Protein context (NP_892006.3, residues 4480-4500): EHICLLPDDV[Ser4490Gly]KQVKTCKSAQ